The following is an entry in ClinVar:

NM_001024843.2(TNRC6B):c.26C>T (p.Ser9Leu)

Gene: TNRC6B (trinucleotide repeat containing adaptor 6B; plus strand). Cytogenetic location: 22q13.1.
Variant type: single nucleotide variant.
Coding change: c.26C>T on transcript NM_001024843.2; coding-DNA position 26, C replaced by T.
Protein change: p.Ser9Leu; replaces serine 9 with leucine.
Molecular consequence: missense variant.
Genome position (GRCh38, 1-based): chr22:40,125,843, C>T. VCF-style: chr22-40125843-C-T. GRCh37 (hg19) VCF-style: chr22-40521847-C-T.
Other names: short protein forms S9L.
Identifiers: ClinVar variation 5039593 (VCV005039593.1).

ClinVar aggregate classification (germline): Likely benign (1 of 4 stars; one submission).

Submission:

CeGaT Center for Human Genetics Tuebingen
Classification: Likely benign. Last evaluated: 2026-07-01. Review status: criteria provided, single submitter. Criteria: CeGaT Center For Human Genetics Tuebingen Variant Classification Criteria Version 2. Collection method: clinical testing. Allele origin: germline. Affected: yes. Observed: 1 variant allele.
Comment: TNRC6B: BP4